The following is an entry in ClinVar:

ClinVar aggregate classification (germline): Uncertain significance (1 of 4 stars; one submission).

gnomAD v4.1: 1 of 1,595,844 alleles (0.000063%); highest among the groups gnomAD compares: Admixed American, 0.0017%; no homozygotes.

Submission:

Labcorp Genetics (formerly Invitae), Labcorp
Classification: Uncertain significance. Last evaluated: 2022-07-05. Review status: criteria provided, single submitter. Criteria: Invitae Variant Classification Sherloc (09022015). Collection method: clinical testing. Allele origin: germline.
Comment: In summary, the available evidence is currently insufficient to determine the role of this variant in disease. Therefore, it has been classified as a Variant of Uncertain Significance. Algorithms developed to predict the effect of missense changes on protein structure and function output the following: SIFT: "Tolerated"; PolyPhen-2: "Benign"; Align-GVGD: "Class C0". The valine amino acid residue is found in multiple mammalian species, which suggests that this missense change does not adversely affect protein function. This variant has not been reported in the literature in individuals affected with PROM1-related conditions. This variant is not present in population databases (gnomAD no frequency). This sequence change replaces isoleucine, which is neutral and non-polar, with valine, which is neutral and non-polar, at codon 420 of the PROM1 protein (p.Ile420Val).

NM_006017.3(PROM1):c.1258A>G (p.Ile420Val)

Gene: PROM1 (prominin 1; minus strand). Cytogenetic location: 4p15.32.
Variant type: single nucleotide variant.
Coding change: c.1258A>G on transcript NM_006017.3 (MANE Select); coding-DNA position 1258, A replaced by G.
Protein change: p.Ile420Val; replaces isoleucine 420 with valine.
Molecular consequence: missense variant.
Genome position (GRCh38, 1-based): chr4:16,008,992, T>C on the plus strand (A>G on the coding strand, the complement: PROM1 is on the minus strand). VCF-style: chr4-16008992-T-C. GRCh37 (hg19) VCF-style: chr4-16010615-T-C.
Other names: c.1231A>G, p.Ile411Val (NM_001145847.2, NM_001145848.2, NM_001145851.2 and 4 more transcripts); c.1258A>G, p.Ile420Val (NM_001145849.2, NM_001145850.2); short protein forms I411V, I420V.
Identifiers: ClinVar variation 2090768 (VCV002090768.4), dbSNP rs2530164940, ClinGen allele CA356436655.